The following is an entry in ClinVar:

NM_207015.3(NAALADL2):c.819+8G>T

Gene: NAALADL2 (N-acetylated alpha-linked acidic dipeptidase like 2; plus strand). Cytogenetic location: 3q26.31.
Variant type: single nucleotide variant.
Coding change: c.819+8G>T on transcript NM_207015.3 (MANE Select); 8 bases into the intron after coding-DNA position 819, G replaced by T.
Molecular consequence: intron variant.
Genome position (GRCh38, 1-based): chr3:175,234,212, G>T. VCF-style: chr3-175234212-G-T. GRCh37 (hg19) VCF-style: chr3-174952002-G-T.
Identifiers: ClinVar variation 3032891 (VCV003032891.2), dbSNP rs758498922, ClinGen allele CA2709136.
Genomic context (GRCh38, chr3:175,234,212, plus strand): 5'-GCCAAGACCTGCTCTATTCATATGCAGCCTATTCTGCCAAAGGAACTCTCAAGGTAATAT[G>T]ACCATTTGTCTCTGTCATTTACAGTGAGATGGAATTAGAAAATAACAGCTTTCATCTAAA-3'

ClinVar aggregate classification (germline): Likely benign (0 of 4 stars; one submission).

Conditions:
NAALADL2-related disorder. Also called: NAALADL2-related condition.

Allele frequency attached by ClinVar (database versions not stated): ExAC 0.00003; gnomAD 0.00003; TOPMed 0.00003; gnomAD exomes 0.00010.
gnomAD v4.1: 149 of 1,611,240 alleles (0.0092%); highest among the groups gnomAD compares: Non-Finnish European, 0.012%; no homozygotes.

Submission:

PreventionGenetics, part of Exact Sciences
Classification: Likely benign for NAALADL2-related condition. Last evaluated: 2023-11-28. Review status: no assertion criteria provided. Collection method: clinical testing. Allele origin: germline.
Comment: This variant is classified as likely benign based on ACMG/AMP sequence variant interpretation guidelines (Richards et al. 2015 PMID: 25741868, with internal and published modifications).